The following is an entry in ClinVar:

NM_004656.4(BAP1):c.500C>A (p.Ala167Glu)

Gene: BAP1 (BRCA1 associated deubiquitinase 1; minus strand). Cytogenetic location: 3p21.1.
Variant type: single nucleotide variant.
Coding change: c.500C>A on transcript NM_004656.4 (MANE Select); coding-DNA position 500, C replaced by A.
Protein change: p.Ala167Glu; replaces alanine 167 with glutamic acid.
Molecular consequence: missense variant.
Genome position (GRCh38, 1-based): chr3:52,407,254, G>T on the plus strand (C>A on the coding strand, the complement: BAP1 is on the minus strand). VCF-style: chr3-52407254-G-T. GRCh37 (hg19) VCF-style: chr3-52441270-G-T.
Other names: c.500C>A, p.Ala167Glu (NM_001410772.1); short protein forms A167E.
Identifiers: ClinVar variation 1744751 (VCV001744751.2), dbSNP rs2153227835, ClinGen allele CA353110031.
Genomic context (GRCh38, chr3:52,407,254, plus strand): 5'-TTCAGCCCATCCAGCTCAAAGAGCCGGCCTGTGATAGGCACATAGCTGACAAAGTGGAAC[G>T]CCTCCATGGTCCGCACTGCACTAAGGCCATTCTGCTTCTCAGGGAGGTGGCGTGGCTCGG-3'
Protein context (NP_004647.1, residues 157-177): NGLSAVRTME[Ala167Glu]FHFVSYVPIT

ClinVar aggregate classification (germline): Uncertain significance (1 of 4 stars; one submission).

Conditions:
Hereditary cancer-predisposing syndrome. Also called: Hereditary Cancer Syndrome; Neoplastic Syndromes, Hereditary; Tumor predisposition; Hereditary neoplastic syndrome. Identifiers: Orphanet 140162, MedGen C0027672, MeSH D009386, MONDO:0015356.

Submission:

Ambry Genetics
Classification: Uncertain significance for Hereditary cancer-predisposing syndrome. Last evaluated: 2021-12-23. Review status: criteria provided, single submitter. Criteria: Ambry Variant Classification Scheme 2023. Collection method: clinical testing. Allele origin: germline.
Comment: The p.A167E variant (also known as c.500C>A), located in coding exon 7 of the BAP1 gene, results from a C to A substitution at nucleotide position 500. The alanine at codon 167 is replaced by glutamic acid, an amino acid with dissimilar properties. This amino acid position is highly conserved in available vertebrate species. In addition, this alteration is predicted to be deleterious by in silico analysis. Since supporting evidence is limited at this time, the clinical significance of this alteration remains unclear.